The following is an entry in ClinVar:

NM_002454.3(MTRR):c.1188T>C (p.Ala396=)

Gene: MTRR (5-methyltetrahydrofolate-homocysteine methyltransferase reductase; plus strand). Cytogenetic location: 5p15.31.
Variant type: single nucleotide variant.
Coding change: c.1188T>C on transcript NM_002454.3 (MANE Select); coding-DNA position 1188, T replaced by C.
Protein change: p.Ala396=; no amino-acid change (alanine 396 retained).
Molecular consequence: synonymous variant. On other transcripts: non-coding transcript variant (14).
Genome position (GRCh38, 1-based): chr5:7,889,136, T>C. VCF-style: chr5-7889136-T-C. GRCh37 (hg19) VCF-style: chr5-7889249-T-C.
Other names: c.1188T>C, p.Ala396= (NM_001364440.2, NM_001364441.2, NM_001364442.2 and 1 more transcripts).
Identifiers: ClinVar variation 387260 (VCV000387260.12), dbSNP rs763760088, ClinGen allele CA3195861.

ClinVar aggregate classification (germline): Likely benign. Review status: criteria provided, multiple submitters, no conflicts (2 of 4 stars). 2 submissions from 2 submitters: Likely benign (2). Last evaluated 2023-11-14.

Conditions:
Methylcobalamin deficiency type cblE (HMAE). Also called: HOMOCYSTINURIA-MEGALOBLASTIC ANEMIA, cblE COMPLEMENTATION TYPE; HOMOCYSTINURIA-MEGALOBLASTIC ANEMIA, cblE TYPE; VITAMIN B12-RESPONSIVE HOMOCYSTINURIA, cblE TYPE. Identifiers: Orphanet 2169, Orphanet 622, MedGen C1856057, MONDO:0009354, OMIM 236270.

Allele frequency attached by ClinVar (database versions not stated): gnomAD exomes 0.00001; ExAC 0.00002; gnomAD 0.00003; TOPMed 0.00007.
gnomAD v4.1: 22 of 1,614,024 alleles (0.0014%); highest among the groups gnomAD compares: Admixed American, 0.013%; no homozygotes.

Submissions (2):

Labcorp Genetics (formerly Invitae), Labcorp
Classification: Likely benign for Methylcobalamin deficiency type cblE. Last evaluated: 2023-11-14. Review status: criteria provided, single submitter. Criteria: Invitae Variant Classification Sherloc (09022015). Collection method: clinical testing. Allele origin: germline.

GeneDx
Classification: Likely benign. Last evaluated: 2016-07-08. Review status: criteria provided, single submitter. Criteria: GeneDx Variant Classification (06012015). Collection method: clinical testing. Allele origin: germline. Affected: yes.
Comment: This variant is considered likely benign or benign based on one or more of the following criteria: it is a conservative change, it occurs at a poorly conserved position in the protein, it is predicted to be benign by multiple in silico algorithms, and/or has population frequency not consistent with disease.